The following is an entry in ClinVar:

NM_000787.4(DBH):c.1141G>C (p.Glu381Gln)

Gene: DBH (dopamine beta-hydroxylase; plus strand). Cytogenetic location: 9q34.2.
Variant type: single nucleotide variant.
Coding change: c.1141G>C on transcript NM_000787.4 (MANE Select); coding-DNA position 1141, G replaced by C.
Protein change: p.Glu381Gln; replaces glutamic acid 381 with glutamine.
Molecular consequence: missense variant.
Genome position (GRCh38, 1-based): chr9:133,647,962, G>C. VCF-style: chr9-133647962-G-C. GRCh37 (hg19) VCF-style: chr9-136513084-G-C.
Other names: short protein forms E381Q.
Identifiers: ClinVar variation 2008308 (VCV002008308.4), dbSNP rs2538348962, ClinGen allele CA375417465.
Genomic context (GRCh38, chr9:133,647,962, plus strand): 5'-AACGCGGGGATCATGGAGCTGGGACTGGTGTACACGCCAGTGATGGCCATTCCACCACGG[G>C]AGACCGCCTTCATCCTCACTGGCTACTGCACGGACAAGTGCACCCAGCTGGTGAGTGGGG-3'
Protein context (NP_000778.3, residues 371-391): YTPVMAIPPR[Glu381Gln]TAFILTGYCT

ClinVar aggregate classification (germline): Uncertain significance (1 of 4 stars; one submission).

Conditions:
Orthostatic hypotension 1 (ORTHYP1). Also called: Dopamine beta-hydroxylase deficiency; NORADRENALINE DEFICIENCY; NOREPINEPHRINE DEFICIENCY; Orthostatic hypotension 1, due to DBH deficiency. Identifiers: Orphanet 230, MedGen C4746777, MONDO:0009123, OMIM 223360.

Submission:

Labcorp Genetics (formerly Invitae), Labcorp
Classification: Uncertain significance for Orthostatic hypotension 1. Last evaluated: 2022-06-19. Review status: criteria provided, single submitter. Criteria: Invitae Variant Classification Sherloc (09022015). Collection method: clinical testing. Allele origin: germline.
Comment: In summary, the available evidence is currently insufficient to determine the role of this variant in disease. Therefore, it has been classified as a Variant of Uncertain Significance. Algorithms developed to predict the effect of missense changes on protein structure and function (SIFT, PolyPhen-2, Align-GVGD) all suggest that this variant is likely to be tolerated. This variant has not been reported in the literature in individuals affected with DBH-related conditions. This variant is not present in population databases (gnomAD no frequency). This sequence change replaces glutamic acid, which is acidic and polar, with glutamine, which is neutral and polar, at codon 381 of the DBH protein (p.Glu381Gln).